The following is an entry in ClinVar:

ClinVar aggregate classification (germline): Likely benign (1 of 4 stars; one submission).

gnomAD v4.1: 11 of 1,611,944 alleles (0.00068%); highest among the groups gnomAD compares: Non-Finnish European, 0.00093%; no homozygotes.

Submission:

Molecular Diagnostic Laboratory for Inherited Cardiovascular Disease, Montreal Heart Institute
Classification: Likely benign. Last evaluated: 2026-03-27. Review status: criteria provided, single submitter. Criteria: ACMG Guidelines, 2015. Collection method: clinical testing. Allele origin: germline. Affected: no.
Comment: BP7

NM_015978.3(TNNI3K):c.1257T>C (p.Pro419=)

Genes: FPGT-TNNI3K (FPGT-TNNI3K readthrough; plus strand), TNNI3K (TNNI3 interacting kinase; plus strand). Cytogenetic location: 1p31.1.
Variant type: single nucleotide variant.
Coding change: c.1257T>C on transcript NM_015978.3 (MANE Select); coding-DNA position 1257, T replaced by C.
Protein change: p.Pro419=; no amino-acid change (proline 419 retained).
Molecular consequence: synonymous variant.
Genome position (GRCh38, 1-based): chr1:74,367,335, T>C. VCF-style: chr1-74367335-T-C. GRCh37 (hg19) VCF-style: chr1-74833019-T-C.
Other names: c.1560T>C, p.Pro520= (NM_001112808.3, NM_001199327.2).
Identifiers: ClinVar variation 4820539 (VCV004820539.1), dbSNP rs142000213.